The following is an entry in ClinVar:

NM_000318.3(PEX2):c.-10C>T

Gene: PEX2 (peroxisomal biogenesis factor 2; minus strand). Cytogenetic location: 8q21.13.
Variant type: single nucleotide variant.
Coding change: c.-10C>T on transcript NM_000318.3 (MANE Select); 10 bases upstream of the start codon, C replaced by T.
Molecular consequence: 5 prime UTR variant.
Genome position (GRCh38, 1-based): chr8:76,984,188, G>A on the plus strand (C>T on the coding strand, the complement: PEX2 is on the minus strand). VCF-style: chr8-76984188-G-A. GRCh37 (hg19) VCF-style: chr8-77896424-G-A.
Other names: c.-10C>T (NM_001079867.2, NM_001172086.2, NM_001172087.2).
Identifiers: ClinVar variation 3035018 (VCV003035018.2), dbSNP rs2132045107, ClinGen allele CA2579209575.

ClinVar aggregate classification (germline): Likely benign (0 of 4 stars; one submission).

Conditions:
PEX2-related disorder. Also called: PEX2-related condition.

gnomAD v4.1: 1 of 1,613,538 alleles (0.000062%); highest among the groups gnomAD compares: Non-Finnish European, 0.000085%; no homozygotes.

Submission:

PreventionGenetics, part of Exact Sciences
Classification: Likely benign for PEX2-related condition. Last evaluated: 2019-08-26. Review status: no assertion criteria provided. Collection method: clinical testing. Allele origin: germline.
Comment: This variant is classified as likely benign based on ACMG/AMP sequence variant interpretation guidelines (Richards et al. 2015 PMID: 25741868, with internal and published modifications).